The following is an entry in ClinVar:

ClinVar aggregate classification (germline): Conflicting classifications of pathogenicity. Review status: criteria provided, conflicting classifications (1 of 4 stars). 2 submissions from 2 submitters: Likely pathogenic (1); Uncertain significance (1). Last evaluated 2021-04-24.

Conditions:
Parkinsonism-dystonia, infantile. Identifiers: Orphanet 238455, MedGen C2751067, MONDO:0013150.
Classic dopamine transporter deficiency syndrome (PKDYS1). Also called: DOPAMINE TRANSPORTER DEFICIENCY SYNDROME; Parkinsonism-dystonia, infantile, 1. Identifiers: Orphanet 238455, MedGen C5700336, MONDO:0054835, OMIM 613135.

gnomAD v4.1: 2 of 1,614,212 alleles (0.00012%); highest among the groups gnomAD compares: Non-Finnish European, 0.00017%; no homozygotes.

Submissions (2):

Labcorp Genetics (formerly Invitae), Labcorp
Classification: Uncertain significance for Parkinsonism-dystonia, infantile. Last evaluated: 2021-04-24. Review status: criteria provided, single submitter. Criteria: Invitae Variant Classification Sherloc (09022015). Collection method: clinical testing. Allele origin: germline.
Comment: This variant has not been reported in the literature in individuals with SLC6A3-related conditions. ClinVar contains an entry for this variant (Variation ID: 807497). This variant is not present in population databases (ExAC no frequency). This sequence change replaces arginine with tryptophan at codon 60 of the SLC6A3 protein (p.Arg60Trp). The arginine residue is highly conserved and there is a moderate physicochemical difference between arginine and tryptophan. Algorithms developed to predict the effect of missense changes on protein structure and function (SIFT, PolyPhen-2, Align-GVGD) all suggest that this variant is likely to be disruptive, but these predictions have not been confirmed by published functional studies and their clinical significance is uncertain. In summary, the available evidence is currently insufficient to determine the role of this variant in disease. Therefore, it has been classified as a Variant of Uncertain Significance.

Institute of Human Genetics Munich, TUM University Hospital
Classification: Likely pathogenic for Classic dopamine transporter deficiency syndrome. Last evaluated: 2019-07-04. Review status: criteria provided, single submitter. Criteria: Classification criteria August 2017. Collection method: clinical testing. Allele origin: germline. Inheritance: Autosomal recessive inheritance. Affected: yes. Observed: 1 homozygote.

NM_001044.5(SLC6A3):c.178C>T (p.Arg60Trp)

Gene: SLC6A3 (solute carrier family 6 member 3). Cytogenetic location: 5p15.33.
Variant type: single nucleotide variant.
Coding change: c.178C>T on transcript NM_001044.5 (MANE Select); coding-DNA position 178, C replaced by T.
Protein change: p.Arg60Trp; replaces arginine 60 with tryptophan.
Molecular consequence: missense variant.
Genome position (GRCh38, 1-based): chr5:1,443,020, G>A on the plus strand (C>T on the coding strand, the complement: SLC6A3 is on the minus strand). VCF-style: chr5-1443020-G-A. GRCh37 (hg19) VCF-style: chr5-1443135-G-A.
Other names: short protein forms R60W.
Identifiers: ClinVar variation 807497 (VCV000807497.11), dbSNP rs1579729357, ClinGen allele CA359064601.